The following is an entry in ClinVar:

ClinVar aggregate classification (germline): Pathogenic (1 of 4 stars; one submission).

Conditions:
Alstrom syndrome (ALMS). Identifiers: Orphanet 64, MedGen C0268425, MONDO:0008763, OMIM 203800.

Submission:

Labcorp Genetics (formerly Invitae), Labcorp
Classification: Pathogenic for Alstrom syndrome. Last evaluated: 2023-12-11. Review status: criteria provided, single submitter. Criteria: Invitae Variant Classification Sherloc (09022015). Collection method: clinical testing. Allele origin: germline.
Comment: This variant is a gross deletion of the genomic region encompassing exon(s) 13-16 of the ALMS1 gene. This deletion is out-of-frame, and is expected to create a premature termination codon and result in an absent or disrupted protein product. Loss-of-function variants in ALMS1 are known to be pathogenic (PMID: 17594715). A similar copy number variant has been observed in individual(s) with Alstrom syndrome (PMID: 25846608, 26285675). It has also been observed to segregate with disease in related individuals. For these reasons, this variant has been classified as Pathogenic.

Literature cited by the submitters: PubMed 17594715; PubMed 25846608; PubMed 26285675.

NC_000002.11:g.(?_73777384)_(73800561_?)del

Gene: ALMS1 (ALMS1 centrosome and basal body associated protein; plus strand). Cytogenetic location: 2p13.1.
Variant type: Deletion.
Identifiers: ClinVar variation 1070276 (VCV001070276.3).